The following is an entry in ClinVar:

NM_014679.5(CEP57):c.475A>G (p.Met159Val)

Gene: CEP57 (centrosomal protein 57; plus strand). Cytogenetic location: 11q21.
Variant type: single nucleotide variant.
Coding change: c.475A>G on transcript NM_014679.5 (MANE Select); coding-DNA position 475, A replaced by G.
Protein change: p.Met159Val; replaces methionine 159 with valine.
Molecular consequence: missense variant.
Genome position (GRCh38, 1-based): chr11:95,813,560, A>G. VCF-style: chr11-95813560-A-G. GRCh37 (hg19) VCF-style: chr11-95546724-A-G.
Other names: c.475A>G, p.Met159Val (NM_001243777.2, NM_001440871.1, NM_001440872.1 and 4 more transcripts); c.394A>G, p.Met132Val (NM_001363604.2, NM_001440869.1, NM_001440870.1 and 3 more transcripts); c.295A>G, p.Met99Val (NM_001440873.1, NM_001440881.1); c.214A>G, p.Met72Val (NM_001440880.1); c.448A>G, p.Met150Val (NM_001243776.2); short protein forms M132V, M159V, M99V, M72V, M150V.
Identifiers: ClinVar variation 5034366 (VCV005034366.1).
Genomic context (GRCh38, chr11:95,813,560, plus strand): 5'-AAATGCAATCTATTAGAAAAACAATTGGAATACATGCGAAATATGATAAAGCATGCCGAA[A>G]TGGAGAGGACATCTGTCTTAGAGAAACAAGTAAGTAAAGCACCTCACAGATTGATACTCA-3'
Protein context (NP_055494.2, residues 149-169): YMRNMIKHAE[Met159Val]ERTSVLEKQV

ClinVar aggregate classification (germline): Uncertain significance (1 of 4 stars; one submission).

Conditions:
Inborn genetic diseases. Identifiers: MedGen C0950123, MeSH D030342.

Submission:

Ambry Genetics
Classification: Uncertain significance for Inborn genetic diseases. Last evaluated: 2026-07-01. Review status: criteria provided, single submitter. Criteria: Ambry Variant Classification Scheme 2023. Collection method: clinical testing. Allele origin: germline.
Comment: The p.M159V variant (also known as c.475A>G), located in coding exon 4 of the CEP57 gene, results from an A to G substitution at nucleotide position 475. The methionine at codon 159 is replaced by valine, an amino acid with highly similar properties. This amino acid position is conserved. In addition, this alteration is predicted to be tolerated by in silico analysis. Based on the available evidence, the clinical significance of this variant remains unclear.